The following is an entry in ClinVar:

ClinVar aggregate classification (germline): Uncertain significance (1 of 4 stars; one submission).

gnomAD v4.1: 13 of 1,597,728 alleles (0.00081%); highest among the groups gnomAD compares: Non-Finnish European, 0.0011%; no homozygotes.

Submission:

Women's Health and Genetics/Laboratory Corporation of America, LabCorp
Classification: Uncertain significance. Last evaluated: 2024-11-12. Review status: criteria provided, single submitter. Criteria: LabCorp Variant Classification Summary - May 2015. Collection method: clinical testing. Allele origin: germline.
Comment: Variant summary: GP1BB c.10+5G>C alters a non-conserved nucleotide located close to a canonical splice site and therefore could affect mRNA splicing, leading to a significantly altered protein sequence. Several computational tools predict a significant impact on normal splicing: One predict the variant abolishes a 5' splicing donor site. Three predict the variant significantly weakens a 5' donor site. However, these predictions have yet to be confirmed by functional studies. The variant allele was found at a frequency of 8.1e-06 in 1597728 control chromosomes. This frequency is not significantly higher than estimated for a pathogenic variant in GP1BB causing Bernard Soulier Syndrome, allowing no conclusion about variant significance. To our knowledge, no occurrence of c.10+5G>C in individuals affected with Bernard Soulier Syndrome and no experimental evidence demonstrating its impact on protein function have been reported. No submitters have cited clinical-significance assessments for this variant to ClinVar. Based on the evidence outlined above, the variant was classified as uncertain significance.

NM_000407.5(GP1BB):c.10+5G>C

Genes: GP1BB (glycoprotein Ib platelet subunit beta; plus strand), SEPT5-GP1BB (SEPT5-GP1BB readthrough; plus strand). Cytogenetic location: 22q11.21.
Variant type: single nucleotide variant.
Coding change: c.10+5G>C on transcript NM_000407.5 (MANE Select); 5 bases into the intron after coding-DNA position 10, G replaced by C.
Molecular consequence: intron variant.
Genome position (GRCh38, 1-based): chr22:19,723,584, G>C. VCF-style: chr22-19723584-G-C. GRCh37 (hg19) VCF-style: chr22-19711107-G-C.
Identifiers: ClinVar variation 3629689 (VCV003629689.1).